The following is an entry in ClinVar:

ClinVar aggregate classification (germline): Likely benign (1 of 4 stars; one submission).

Submission:

CeGaT Center for Human Genetics Tuebingen
Classification: Likely benign. Last evaluated: 2026-02-01. Review status: criteria provided, single submitter. Criteria: CeGaT Center For Human Genetics Tuebingen Variant Classification Criteria Version 2. Collection method: clinical testing. Allele origin: germline. Affected: yes. Observed: 1 variant allele.
Comment: TUBB4B: BP4, BP7

NM_006088.6(TUBB4B):c.202C>T (p.Leu68=)

Gene: TUBB4B (tubulin beta 4B class IVb; plus strand). Cytogenetic location: 9q34.3.
Variant type: single nucleotide variant.
Coding change: c.202C>T on transcript NM_006088.6 (MANE Select); coding-DNA position 202, C replaced by T.
Protein change: p.Leu68=; no amino-acid change (leucine 68 retained).
Molecular consequence: synonymous variant.
Genome position (GRCh38, 1-based): chr9:137,241,946, C>T. VCF-style: chr9-137241946-C-T. GRCh37 (hg19) VCF-style: chr9-140136398-C-T.
Identifiers: ClinVar variation 4822577 (VCV004822577.4).
Genomic context (GRCh38, chr9:137,241,946, plus strand): 5'-GGCTGACGCCCTCCCGTCCCCGCAGGCGGCAAGTACGTGCCCCGCGCCGTGCTCGTGGAT[C>T]TGGAGCCCGGCACCATGGACTCCGTGCGCTCGGGGCCCTTCGGGCAGATCTTCCGGCCGG-3'
Protein context (NP_006079.1, residues 58-78): KYVPRAVLVD[Leu68=]EPGTMDSVRS